The following is an entry in ClinVar:

ClinVar aggregate classification (germline): Uncertain significance. Review status: criteria provided, multiple submitters, no conflicts (2 of 4 stars). 3 submissions from 3 submitters: Uncertain significance (3). Last evaluated 2025-06-18.

Conditions:
Inborn genetic diseases. Identifiers: MedGen C0950123, MeSH D030342.
Myopathy, centronuclear, 2 (CNM2). Also called: MYOTUBULAR MYOPATHY, AUTOSOMAL RECESSIVE. Identifiers: Orphanet 169186, MedGen CN031787, MONDO:0009709, OMIM 255200.

Allele frequency attached by ClinVar (database versions not stated): gnomAD exomes 0.00001; ExAC 0.00002; gnomAD 0.00003; TOPMed 0.00004.
gnomAD v4.1: 25 of 1,613,094 alleles (0.0015%); highest among the groups gnomAD compares: East Asian, 0.0089%; 1 homozygote.

Submissions (3):

Labcorp Genetics (formerly Invitae), Labcorp
Classification: Uncertain significance for Myopathy, centronuclear, 2. Last evaluated: 2025-06-18. Review status: criteria provided, single submitter. Criteria: Invitae Variant Classification Sherloc (09022015). Collection method: clinical testing. Allele origin: germline.
Comment: This sequence change replaces arginine, which is basic and polar, with tryptophan, which is neutral and slightly polar, at codon 66 of the BIN1 protein (p.Arg66Trp). This variant is present in population databases (rs767159511, gnomAD 0.007%). This variant has not been reported in the literature in individuals affected with BIN1-related conditions. ClinVar contains an entry for this variant (Variation ID: 2688670). Invitae Evidence Modeling of protein sequence and biophysical properties (such as structural, functional, and spatial information, amino acid conservation, physicochemical variation, residue mobility, and thermodynamic stability) indicates that this missense variant is expected to disrupt BIN1 protein function with a positive predictive value of 80%. In summary, the available evidence is currently insufficient to determine the role of this variant in disease. Therefore, it has been classified as a Variant of Uncertain Significance.

Ambry Genetics
Classification: Uncertain significance for Inborn genetic diseases. Last evaluated: 2025-04-16. Review status: criteria provided, single submitter. Criteria: Ambry Variant Classification Scheme 2023. Collection method: clinical testing. Allele origin: germline.

Revvity Omics, Revvity
Classification: Uncertain significance for Myopathy, centronuclear, 2. Last evaluated: 2023-02-28. Review status: criteria provided, single submitter. Criteria: ACMG Guidelines, 2015. Collection method: clinical testing. Allele origin: germline.

NM_139343.3(BIN1):c.196C>T (p.Arg66Trp)

Gene: BIN1 (bridging integrator 1; minus strand). Cytogenetic location: 2q14.3.
Variant type: single nucleotide variant.
Coding change: c.196C>T on transcript NM_139343.3 (MANE Select); coding-DNA position 196, C replaced by T.
Protein change: p.Arg66Trp; replaces arginine 66 with tryptophan.
Molecular consequence: missense variant.
Genome position (GRCh38, 1-based): chr2:127,070,786, G>A on the plus strand (C>T on the coding strand, the complement: BIN1 is on the minus strand). VCF-style: chr2-127070786-G-A. GRCh37 (hg19) VCF-style: chr2-127828362-G-A.
Other names: c.196C>T (NM_139343.2); c.196C>T, p.Arg66Trp (NM_001320632.2, NM_001320633.2, NM_001320640.2 and 10 more transcripts); c.124C>T, p.Arg42Trp (NM_001320634.1); c.115C>T, p.Arg39Trp (NM_001320642.1); short protein forms R39W, R42W, R66W.
Identifiers: ClinVar variation 2688670 (VCV002688670.4), dbSNP rs767159511, ClinGen allele CA1857559.